The following is an entry in ClinVar:

NM_001252024.2(TRPM1):c.2807C>A (p.Ala936Glu)

Genes: TRPM1 (transient receptor potential cation channel subfamily M member 1; minus strand), TRPM1-AS1 (TRPM1 antisense RNA 1; plus strand). Cytogenetic location: 15q13.3.
Variant type: single nucleotide variant.
Coding change: c.2807C>A on transcript NM_001252024.2 (MANE Select); coding-DNA position 2807, C replaced by A.
Protein change: p.Ala936Glu; replaces alanine 936 with glutamic acid.
Molecular consequence: missense variant.
Genome position (GRCh38, 1-based): chr15:31,032,834, G>T on the plus strand (C>A on the coding strand, the complement: TRPM1 is on the minus strand). VCF-style: chr15-31032834-G-T. GRCh37 (hg19) VCF-style: chr15-31325037-G-T.
Other names: c.2858C>A, p.Ala953Glu (NM_001252020.2); c.2741C>A, p.Ala914Glu (NM_002420.6); short protein forms A914E, A953E, A936E.
Identifiers: ClinVar variation 431838 (VCV000431838.2), dbSNP rs1555419893, ClinGen allele CA391546165.

ClinVar aggregate classification (germline): Uncertain significance (1 of 4 stars; one submission).

Allele frequency attached by ClinVar (database versions not stated): gnomAD exomes below 0.00001.
gnomAD v4.1: 2 of 1,614,188 alleles (0.00012%); highest among the groups gnomAD compares: Non-Finnish European, 0.00017%; no homozygotes.

Submission:

GeneDx
Classification: Uncertain significance. Last evaluated: 2017-05-12. Review status: criteria provided, single submitter. Criteria: GeneDx Variant Classification (06012015). Collection method: clinical testing. Allele origin: germline. Affected: yes.
Comment: The A914E variant in the TRPM1 gene has not been reported previously as a pathogenic variant, nor as a benign variant, to our knowledge. The A914E variant is not observed in large population cohorts (Lek et al., 2016; 1000 Genomes Consortium et al., 2015; Exome Variant Server). The A914E variant is a non-conservative amino acid substitution, which is likely to impact secondary protein structure as these residues differ in polarity, charge, size and/or other properties. This substitution occurs at a position that is not conserved. In silico analysis is inconsistent in its predictions as to whether or not the variant is damaging to the protein structure/function. We interpret A914E as a variant of uncertain significance.